The following is an entry in ClinVar:

NM_000093.5(COL5A1):c.5413C>T (p.Pro1805Ser)

Genes: COL5A1 (collagen type V alpha 1 chain; plus strand), LOC101448202 (uncharacterized LOC101448202; minus strand). Cytogenetic location: 9q34.3.
Variant type: single nucleotide variant.
Coding change: c.5413C>T on transcript NM_000093.5 (MANE Select); coding-DNA position 5413, C replaced by T.
Protein change: p.Pro1805Ser; replaces proline 1805 with serine.
Molecular consequence: missense variant.
Genome position (GRCh38, 1-based): chr9:134,842,199, C>T. VCF-style: chr9-134842199-C-T. GRCh37 (hg19) VCF-style: chr9-137734045-C-T.
Other names: c.5413C>T (NM_000093.3); c.5413C>T, p.Pro1805Ser (NM_001278074.1); short protein forms P1805S.
Identifiers: ClinVar variation 858414 (VCV000858414.10), dbSNP rs554332661, ClinGen allele CA201119784.

ClinVar aggregate classification (germline): Uncertain significance. Review status: criteria provided, multiple submitters, no conflicts (2 of 4 stars). 2 submissions from 2 submitters: Uncertain significance (2). Last evaluated 2026-08-10.

Conditions:
Familial thoracic aortic aneurysm and aortic dissection (TAAD). Also called: Thoracic aortic aneurysms and dissections. Identifiers: Orphanet 91387, MedGen C4707243, MONDO:0019625.
Ehlers-Danlos syndrome, classic type, 1 (EDSCL1). Also called: EHLERS-DANLOS SYNDROME, GRAVIS TYPE; EHLERS-DANLOS SYNDROME, SEVERE CLASSIC TYPE; EDS I; Ehlers-Danlos syndrome, type 1; Ehlers-Danlos Syndrome, Classic Type, COL5A1-Related. Identifiers: MedGen C0268335, MONDO:0019567, OMIM 130000.

Allele frequency attached by ClinVar (database versions not stated): gnomAD exomes below 0.00001; TOPMed below 0.00001.
gnomAD v4.1: 7 of 1,614,172 alleles (0.00043%); highest among the groups gnomAD compares: African/African-American, 0.004%; no homozygotes.

Submissions (2):

Ambry Genetics
Classification: Uncertain significance for Familial thoracic aortic aneurysm and aortic dissection. Last evaluated: 2026-08-10. Review status: criteria provided, single submitter. Criteria: Ambry Variant Classification Scheme 2023. Collection method: clinical testing. Allele origin: germline.
Comment: The p.P1805S variant (also known as c.5413C>T), located in coding exon 66 of the COL5A1 gene, results from a C to T substitution at nucleotide position 5413. The proline at codon 1805 is replaced by serine, an amino acid with similar properties. This amino acid position is conserved. In addition, this alteration is predicted to be tolerated by in silico analysis. Based on the available evidence, the clinical significance of this variant remains unclear.

Labcorp Genetics (formerly Invitae), Labcorp
Classification: Uncertain significance for Ehlers-Danlos syndrome, classic type, 1. Last evaluated: 2022-06-13. Review status: criteria provided, single submitter. Criteria: Invitae Variant Classification Sherloc (09022015). Collection method: clinical testing. Allele origin: germline.
Comment: This sequence change replaces proline, which is neutral and non-polar, with serine, which is neutral and polar, at codon 1805 of the COL5A1 protein (p.Pro1805Ser). This variant is not present in population databases (gnomAD no frequency). This variant has not been reported in the literature in individuals affected with COL5A1-related conditions. ClinVar contains an entry for this variant (Variation ID: 858414). Advanced modeling of protein sequence and biophysical properties (such as structural, functional, and spatial information, amino acid conservation, physicochemical variation, residue mobility, and thermodynamic stability) performed at Invitae indicates that this missense variant is not expected to disrupt COL5A1 protein function. In summary, the available evidence is currently insufficient to determine the role of this variant in disease. Therefore, it has been classified as a Variant of Uncertain Significance.